The following is an entry in ClinVar:

ClinVar aggregate classification (germline): Uncertain significance (1 of 4 stars; one submission).

gnomAD v4.1: 125 of 1,587,916 alleles (0.0079%); highest among the groups gnomAD compares: Non-Finnish European, 0.01%; no homozygotes.

Submission:

Ambry Genetics
Classification: Uncertain significance. Last evaluated: 2024-12-24. Review status: criteria provided, single submitter. Criteria: Ambry Variant Classification Scheme 2023. Collection method: clinical testing. Allele origin: germline.
Comment: The p.R1925H variant (also known as c.5774G>A), located in coding exon 23 of the WNK2 gene, results from a G to A substitution at nucleotide position 5774. The arginine at codon 1925 is replaced by histidine, an amino acid with highly similar properties. This amino acid position is conserved. In addition, the in silico prediction for this alteration is inconclusive. Based on the available evidence, the clinical significance of this variant remains unclear.

NM_006648.4(WNK2):c.5774G>A (p.Arg1925His)

Gene: WNK2 (WNK lysine deficient protein kinase 2; plus strand). Cytogenetic location: 9q22.31.
Variant type: single nucleotide variant.
Coding change: c.5774G>A on transcript NM_006648.4 (MANE Select); coding-DNA position 5774, G replaced by A.
Protein change: p.Arg1925His; replaces arginine 1925 with histidine.
Molecular consequence: missense variant.
Genome position (GRCh38, 1-based): chr9:93,297,918, G>A. VCF-style: chr9-93297918-G-A. GRCh37 (hg19) VCF-style: chr9-96060200-G-A.
Other names: c.5885G>A, p.Arg1962His (NM_001282394.3); short protein forms R1962H, R1925H.
Identifiers: ClinVar variation 3470755 (VCV003470755.2).